The following is an entry in ClinVar:

ClinVar aggregate classification (germline): Likely benign. Review status: criteria provided, multiple submitters, no conflicts (2 of 4 stars). 2 submissions from 2 submitters: Likely benign (2). Last evaluated 2025-12-24.

Conditions:
PEX16-related disorder. Also called: PEX16-related condition.
Peroxisome biogenesis disorder. Identifiers: Orphanet 79189, MedGen C1832200, MONDO:0019234. Disease mechanism: loss of function.

Submissions (2):

Labcorp Genetics (formerly Invitae), Labcorp
Classification: Likely benign for Peroxisome biogenesis disorder. Last evaluated: 2025-12-24. Review status: criteria provided, single submitter. Criteria: Invitae Variant Classification Sherloc (09022015). Collection method: clinical testing. Allele origin: germline.

PreventionGenetics, part of Exact Sciences
Classification: Likely benign for PEX16-related condition. Last evaluated: 2024-12-06. Review status: criteria provided, single submitter. Criteria: ACMG Guidelines, 2015. Collection method: clinical testing. Allele origin: germline.
Comment: This variant is classified as likely benign based on ACMG/AMP sequence variant interpretation guidelines (Richards et al. 2015 PMID: 25741868, with internal and published modifications).

NM_004813.4(PEX16):c.113-5C>T

Gene: PEX16 (peroxisomal biogenesis factor 16; minus strand). Cytogenetic location: 11p11.2.
Variant type: single nucleotide variant.
Coding change: c.113-5C>T on transcript NM_004813.4 (MANE Select); 5 bases into the intron before coding-DNA position 113, C replaced by T.
Molecular consequence: intron variant.
Genome position (GRCh38, 1-based): chr11:45,917,498, G>A on the plus strand (C>T on the coding strand, the complement: PEX16 is on the minus strand). VCF-style: chr11-45917498-G-A. GRCh37 (hg19) VCF-style: chr11-45939049-G-A.
Other names: c.113-5C>T (NM_057174.3, NM_004813.2).
Identifiers: ClinVar variation 1079426 (VCV001079426.12), dbSNP rs2134699177, ClinGen allele CA2499220951.